The following is an entry in ClinVar:

ClinVar aggregate classification (germline): Pathogenic/Likely pathogenic. Review status: criteria provided, multiple submitters, no conflicts (2 of 4 stars). 7 submissions from 7 submitters: Pathogenic (5); Likely pathogenic (2). Last evaluated 2025-11-09.

Conditions:
Familial cancer of breast. Also called: BREAST CANCER, FAMILIAL; Hereditary breast cancer; hereditary breast carcinoma. Identifiers: Orphanet 227535, MedGen C0346153, MONDO:0016419, OMIM 114480. Disease mechanism: loss of function.
Hereditary cancer-predisposing syndrome. Also called: Neoplastic Syndromes, Hereditary; Tumor predisposition; Hereditary neoplastic syndrome; Hereditary Cancer Syndrome. Identifiers: Orphanet 140162, MedGen C0027672, MeSH D009386, MONDO:0015356.
Malignant tumor of breast. Also called: Malignant breast neoplasm; Cancer breast. Identifiers: MedGen C0006142, MONDO:0007254. Disease mechanism: loss of function.

Submissions (7):

Labcorp Genetics (formerly Invitae), Labcorp
Classification: Pathogenic for Familial cancer of breast. Last evaluated: 2025-11-09. Review status: criteria provided, single submitter. Criteria: Invitae Variant Classification Sherloc (09022015). Collection method: clinical testing. Allele origin: germline.
Comment: This sequence change creates a premature translational stop signal (p.Gln1157*) in the PALB2 gene. While this is not anticipated to result in nonsense mediated decay, it is expected to disrupt the last 30 amino acid(s) of the PALB2 protein. This variant is not present in population databases (gnomAD no frequency). This variant has not been reported in the literature in individuals affected with PALB2-related conditions. ClinVar contains an entry for this variant (Variation ID: 823806). This variant disrupts a region of the PALB2 protein in which other variant(s) (p.Ser1165*) have been determined to be pathogenic (PMID: 17200668, 17200671, 19609323, 21365267, 22241545, 26315354). This suggests that this is a clinically significant region of the protein, and that variants that disrupt it are likely to be disease-causing. For these reasons, this variant has been classified as Pathogenic.

Molecular Pathology, Peter Maccallum Cancer Centre
Classification: Pathogenic for Familial cancer of breast. Last evaluated: 2025-04-10. Review status: criteria provided, single submitter. Criteria: ACMG Guidelines, 2015. Collection method: clinical testing. Allele origin: germline. Inheritance: Autosomal dominant inheritance.

Myriad Genetics, Inc.
Classification: Pathogenic for Familial cancer of breast. Last evaluated: 2023-09-15. Review status: criteria provided, single submitter. Criteria: Myriad Autosomal Dominant, Autosomal Recessive and X-Linked Classification Criteria (2023). Collection method: clinical testing. Allele origin: unknown.
Comment: This variant is considered pathogenic. This variant creates a termination codon and is predicted to result in premature protein truncation.

Women's Health and Genetics/Laboratory Corporation of America, LabCorp
Classification: Likely pathogenic for Malignant tumor of breast. Last evaluated: 2023-03-13. Review status: criteria provided, single submitter. Criteria: LabCorp Variant Classification Summary - May 2015. Collection method: clinical testing. Allele origin: germline.
Comment: Variant summary: PALB2 c.3469C>T (p.Gln1157X) results in a premature termination codon, predicted to cause a truncation of the encoded protein disrupting Partner and localiser of BRCA2, WD40 domain, which are commonly known mechanisms for disease. Truncations downstream of this position have been classified as pathogenic by our laboratory (e.g. p.Tyr1183X). The variant was absent in 251476 control chromosomes. To our knowledge, no occurrence of c.3469C>T in individuals affected with Breast Cancer and no experimental evidence demonstrating its impact on protein function have been reported. Two clinical diagnostic laboratories have submitted clinical-significance assessments for this variant to ClinVar after 2014 without evidence for independent evaluation. All laboratories classified the variant as pathogenic. Based on the evidence outlined above, the variant was classified as likely pathogenic.

Ambry Genetics
Classification: Pathogenic for Hereditary cancer-predisposing syndrome. Last evaluated: 2023-03-09. Review status: criteria provided, single submitter. Criteria: Ambry Variant Classification Scheme 2023. Collection method: clinical testing. Allele origin: germline.
Comment: The p.Q1157* pathogenic mutation (also known as c.3469C>T), located in coding exon 13 of the PALB2 gene, results from a C to T substitution at nucleotide position 3469. This changes the amino acid from a glutamine to a stop codon within coding exon 13. This alteration occurs at the 3' terminus of thePALB2 gene, is not expected to trigger nonsense-mediated mRNA decay, and impacts the last 30 amino acids of the protein. However, premature stop codons are typically deleterious in nature and the impacted region is critical for protein function (Ambry internal data). This variant is considered to be rare based on population cohorts in the Genome Aggregation Database (gnomAD). Based on the supporting evidence, this alteration is interpreted as a disease-causing mutation.

Baylor Genetics
Classification: Likely pathogenic for Familial cancer of breast. Last evaluated: 2022-04-14. Review status: criteria provided, single submitter. Criteria: ACMG Guidelines, 2015. Collection method: clinical testing. Allele origin: unknown.

Color Diagnostics, LLC DBA Color Health
Classification: Pathogenic for Hereditary cancer-predisposing syndrome. Last evaluated: 2022-01-25. Review status: criteria provided, single submitter. Criteria: ACMG Guidelines, 2015. Collection method: clinical testing. Allele origin: germline.
Comment: This variant changes 1 nucleotide in exon 13 of the PALB2 gene, creating a premature translation stop signal in the last coding exon. This variant is predicted to escape nonsense-mediated decay and be expressed as a truncated protein. Although functional studies have not been reported, this variant is expected to disrupt the BRCA2 and RAD51 binding domains which have been reported to be essential in the homology directed repair pathway. To our knowledge, this variant has not been reported in individuals affected with hereditary cancer in the literature. This variant has not been identified in the general population by the Genome Aggregation Database (gnomAD). Loss of PALB2 function is a known mechanism of disease. Based on the available evidence, this variant is classified as Pathogenic.

Literature cited by the submitters: PubMed 17200668 (cited by Labcorp Genetics (formerly Invitae), Labcorp); PubMed 17200671 (cited by Labcorp Genetics (formerly Invitae), Labcorp); PubMed 19609323 (cited by Labcorp Genetics (formerly Invitae), Labcorp); PubMed 21365267 (cited by Labcorp Genetics (formerly Invitae), Labcorp); PubMed 22241545 (cited by Labcorp Genetics (formerly Invitae), Labcorp); PubMed 26315354 (cited by Labcorp Genetics (formerly Invitae), Labcorp).

NM_024675.4(PALB2):c.3469C>T (p.Gln1157Ter)

Gene: PALB2 (partner and localizer of BRCA2; minus strand). Cytogenetic location: 16p12.2.
Variant type: single nucleotide variant.
Coding change: c.3469C>T on transcript NM_024675.4 (MANE Select); coding-DNA position 3469, C replaced by T.
Protein change: p.Gln1157Ter; replaces glutamine 1157 with a stop codon.
Molecular consequence: nonsense.
Genome position (GRCh38, 1-based): chr16:23,603,551, G>A on the plus strand (C>T on the coding strand, the complement: PALB2 is on the minus strand). VCF-style: chr16-23603551-G-A. GRCh37 (hg19) VCF-style: chr16-23614872-G-A.
Other names: short protein forms Q1157*.
Identifiers: ClinVar variation 823806 (VCV000823806.17), dbSNP rs1597062038, ClinGen allele CA395138028.